The following is an entry in ClinVar:

ClinVar aggregate classification (germline): Pathogenic (1 of 4 stars; one submission).

Conditions:
Hereditary hemochromatosis (HFE). Identifiers: MedGen C0392514, MONDO:0006507. Disease mechanism: loss of function.

Submission:

Labcorp Genetics (formerly Invitae), Labcorp
Classification: Pathogenic for Hereditary hemochromatosis. Last evaluated: 2022-03-14. Review status: criteria provided, single submitter. Criteria: Invitae Variant Classification Sherloc (09022015). Collection method: clinical testing. Allele origin: germline.
Comment: This variant is not present in population databases (gnomAD no frequency). For these reasons, this variant has been classified as Pathogenic. This variant disrupts a region of the TFR2 protein in which other variant(s) (p.Gly792Arg) have been determined to be pathogenic (PMID: 16424658, 26029709). This suggests that this is a clinically significant region of the protein, and that variants that disrupt it are likely to be disease-causing. This variant has not been reported in the literature in individuals affected with TFR2-related conditions. This sequence change creates a premature translational stop signal (p.Ala761Glyfs*31) in the TFR2 gene. While this is not anticipated to result in nonsense mediated decay, it is expected to disrupt the last 41 amino acid(s) of the TFR2 protein.

Literature cited by the submitters: PubMed 16424658; PubMed 26029709.

NM_003227.4(TFR2):c.2281dup (p.Ala761fs)

Gene: TFR2 (transferrin receptor 2; minus strand). Cytogenetic location: 7q22.1.
Variant type: Duplication.
Coding change: c.2281dup on transcript NM_003227.4 (MANE Select); coding-DNA position 2281, one base duplicated (G; older notation c.2281dupG).
Protein change: p.Ala761fs; shifts the reading frame from alanine 761.
Molecular consequence: frameshift variant.
Genome position (GRCh38, 1-based): chr7:100,620,982, C duplicated on the plus strand (G on the coding strand, the reverse complement: TFR2 is on the minus strand); the first of 4 consecutive C bases (chr7:100,620,982-100,620,985); duplicating any one gives the same sequence. VCF-style (leftmost placement, unchanged base first): chr7-100620981-G-GC. GRCh37 (hg19) VCF-style: chr7-100218604-G-GC.
Other names: c.1768dup, p.Ala590fs (NM_001206855.3); short protein forms A590fs, A761fs.
Identifiers: ClinVar variation 2106932 (VCV002106932.4), dbSNP rs2486102360, ClinGen allele CA2580076013.